The following is an entry in ClinVar:

NM_001013838.3(CARMIL2):c.4234_4242del (p.Thr1412_Pro1414del)

Gene: CARMIL2 (capping protein regulator and myosin 1 linker 2; plus strand). Cytogenetic location: 16q22.1.
Variant type: Deletion.
Coding change: c.4234_4242del on transcript NM_001013838.3 (MANE Select); coding-DNA positions 4234 to 4242, 9 bases deleted (ACAGAGCCC; older notation c.4234_4242delACAGAGCCC).
Protein change: p.Thr1412_Pro1414del.
Molecular consequence: inframe deletion.
Genome position (GRCh38, 1-based): chr16:67,657,444-67,657,452, ACAGAGCCC deleted; deleting any 9 consecutive bases within chr16:67,657,439-67,657,452 gives the same sequence; the c. name uses the placement nearest the transcript's 3' end. VCF-style (leftmost placement, unchanged base first): chr16-67657438-CAGCCCACAG-C. GRCh37 (hg19) VCF-style: chr16-67691341-CAGCCCACAG-C.
Other names: c.4045_4053del, p.Thr1349_Pro1351del (NM_001317026.3).
Identifiers: ClinVar variation 2146507 (VCV002146507.4), dbSNP rs1567638895, ClinGen allele CA622946087.

ClinVar aggregate classification (germline): Uncertain significance (1 of 4 stars; one submission).

Submission:

Labcorp Genetics (formerly Invitae), Labcorp
Classification: Uncertain significance. Last evaluated: 2022-11-08. Review status: criteria provided, single submitter. Criteria: Invitae Variant Classification Sherloc (09022015). Collection method: clinical testing. Allele origin: germline.
Comment: In summary, the available evidence is currently insufficient to determine the role of this variant in disease. Therefore, it has been classified as a Variant of Uncertain Significance. Experimental studies and prediction algorithms are not available or were not evaluated, and the functional significance of this variant is currently unknown. This variant has not been reported in the literature in individuals affected with CARMIL2-related conditions. This variant is present in population databases (no rsID available, gnomAD 0.003%). This variant, c.4234_4242del, results in the deletion of 3 amino acid(s) of the CARMIL2 protein (p.Thr1412_Pro1414del), but otherwise preserves the integrity of the reading frame.